The following is an entry in ClinVar:

NM_001112741.2(KCNC1):c.1460C>G (p.Thr487Arg)

Gene: KCNC1 (potassium voltage-gated channel subfamily C member 1; plus strand). Cytogenetic location: 11p15.1.
Variant type: single nucleotide variant.
Coding change: c.1460C>G on transcript NM_001112741.2 (MANE Select); coding-DNA position 1460, C replaced by G.
Protein change: p.Thr487Arg; replaces threonine 487 with arginine.
Molecular consequence: missense variant.
Genome position (GRCh38, 1-based): chr11:17,772,554, C>G. VCF-style: chr11-17772554-C-G. GRCh37 (hg19) VCF-style: chr11-17794101-C-G.
Other names: c.1460C>G, p.Thr487Arg (NM_004976.4); short protein forms T487R.
Identifiers: ClinVar variation 2824480 (VCV002824480.3), dbSNP rs1186284433, ClinGen allele CA379810213.
Genomic context (GRCh38, chr11:17,772,554, plus strand): 5'-GATCTCCCAATTATTGTAAATCTGTCGTAAACTCTCCACACCACAGTACTCAGAGTGACA[C>G]ATGTCCGCTGGCCCAGGAAGAAATTTTAGAAATTAACAGAGCAGGTAGGAAACCTCTTAG-3'
Protein context (NP_001106212.1, residues 477-497): NSPHHSTQSD[Thr487Arg]CPLAQEEILE

ClinVar aggregate classification (germline): Uncertain significance (1 of 4 stars; one submission).

Conditions:
Progressive myoclonic epilepsy type 7. Identifiers: Orphanet 435438, MedGen C4015420, MONDO:0014521, OMIM 616187.

gnomAD v4.1: 2 of 1,613,956 alleles (0.00012%); highest among the groups gnomAD compares: Non-Finnish European, 0.00017%; no homozygotes.

Submission:

Labcorp Genetics (formerly Invitae), Labcorp
Classification: Uncertain significance for Progressive myoclonic epilepsy type 7. Last evaluated: 2025-12-21. Review status: criteria provided, single submitter. Criteria: Invitae Variant Classification Sherloc (09022015). Collection method: clinical testing. Allele origin: germline.
Comment: This sequence change replaces threonine, which is neutral and polar, with arginine, which is basic and polar, at codon 487 of the KCNC1 protein (p.Thr487Arg). This variant is present in population databases (no rsID available, gnomAD 0.007%). This variant has not been reported in the literature in individuals affected with KCNC1-related conditions. ClinVar contains an entry for this variant (Variation ID: 2824480). An algorithm developed to predict the effect of missense changes on protein structure and function (PolyPhen-2) suggests that this variant is likely to be tolerated. In summary, the available evidence is currently insufficient to determine the role of this variant in disease. Therefore, it has been classified as a Variant of Uncertain Significance.